The following is an entry in ClinVar:

NM_020937.4(FANCM):c.3327T>A (p.Asn1109Lys)

Gene: FANCM (FA complementation group M; plus strand). Cytogenetic location: 14q21.2.
Variant type: single nucleotide variant.
Coding change: c.3327T>A on transcript NM_020937.4 (MANE Select); coding-DNA position 3327, T replaced by A.
Protein change: p.Asn1109Lys; replaces asparagine 1109 with lysine.
Molecular consequence: missense variant.
Genome position (GRCh38, 1-based): chr14:45,176,081, T>A. VCF-style: chr14-45176081-T-A. GRCh37 (hg19) VCF-style: chr14-45645284-T-A.
Other names: c.3249T>A, p.Asn1083Lys (NM_001308133.2); short protein forms N1109K, N1083K.
Identifiers: ClinVar variation 1972398 (VCV001972398.5), dbSNP rs886050500, ClinGen allele CA389601052.

ClinVar aggregate classification (germline): Uncertain significance. Review status: criteria provided, multiple submitters, no conflicts (2 of 4 stars). 2 submissions from 2 submitters: Uncertain significance (2). Last evaluated 2024-11-21.

Conditions:
Inborn genetic diseases. Identifiers: MedGen C0950123, MeSH D030342.
Fanconi anemia (FA). Also called: Fanconi's anemia. Identifiers: Orphanet 84, MedGen C0015625, MeSH D005199, MONDO:0019391.

Submissions (2):

Ambry Genetics
Classification: Uncertain significance for Inborn genetic diseases. Last evaluated: 2024-11-21. Review status: criteria provided, single submitter. Criteria: Ambry Variant Classification Scheme 2023. Collection method: clinical testing. Allele origin: germline.
Comment: The p.N1109K variant (also known as c.3327T>A), located in coding exon 14 of the FANCM gene, results from a T to A substitution at nucleotide position 3327. The asparagine at codon 1109 is replaced by lysine, an amino acid with similar properties. This amino acid position is conserved. In addition, this alteration is predicted to be tolerated by in silico analysis. Based on the available evidence, the clinical significance of this variant remains unclear.

Labcorp Genetics (formerly Invitae), Labcorp
Classification: Uncertain significance for Fanconi anemia. Last evaluated: 2022-03-01. Review status: criteria provided, single submitter. Criteria: Invitae Variant Classification Sherloc (09022015). Collection method: clinical testing. Allele origin: germline.
Comment: This sequence change replaces asparagine, which is neutral and polar, with lysine, which is basic and polar, at codon 1109 of the FANCM protein (p.Asn1109Lys). This variant is not present in population databases (gnomAD no frequency). This variant has not been reported in the literature in individuals affected with FANCM-related conditions. Algorithms developed to predict the effect of missense changes on protein structure and function (SIFT, PolyPhen-2, Align-GVGD) all suggest that this variant is likely to be tolerated. In summary, the available evidence is currently insufficient to determine the role of this variant in disease. Therefore, it has been classified as a Variant of Uncertain Significance.